The following is an entry in ClinVar:

ClinVar aggregate classification (germline): Uncertain significance (1 of 4 stars; one submission).

Conditions:
GATA binding protein 1 related thrombocytopenia with dyserythropoiesis. Also called: GATA1-Related X-Linked Cytopenia; GATA1-Related Cytopenia. Identifiers: MedGen C1845837, MONDO:0100089.
Diamond-Blackfan anemia. Also called: Blackfan Diamond syndrome; Aregenerative anemia chronic congenital; Red cell aplasia, pure hereditary; Congenital hypoplastic anemia; Aase syndrome. Identifiers: Orphanet 124, MedGen C1260899, MeSH D029503, MONDO:0015253, HP:0004810.

Submission:

Labcorp Genetics (formerly Invitae), Labcorp
Classification: Uncertain significance for GATA binding protein 1 related thrombocytopenia with dyserythropoiesis; Diamond-Blackfan anemia. Last evaluated: 2023-05-01. Review status: criteria provided, single submitter. Criteria: Invitae Variant Classification Sherloc (09022015). Collection method: clinical testing. Allele origin: germline.
Comment: Advanced modeling of protein sequence and biophysical properties (such as structural, functional, and spatial information, amino acid conservation, physicochemical variation, residue mobility, and thermodynamic stability) performed at Invitae indicates that this missense variant is not expected to disrupt GATA1 protein function. ClinVar contains an entry for this variant (Variation ID: 2197092). This variant has not been reported in the literature in individuals affected with GATA1-related conditions. This variant is not present in population databases (gnomAD no frequency). This sequence change replaces glycine, which is neutral and non-polar, with glutamic acid, which is acidic and polar, at codon 149 of the GATA1 protein (p.Gly149Glu). In summary, the available evidence is currently insufficient to determine the role of this variant in disease. Therefore, it has been classified as a Variant of Uncertain Significance.

NM_002049.4(GATA1):c.446G>A (p.Gly149Glu)

Gene: GATA1 (GATA binding protein 1; plus strand). Cytogenetic location: Xp11.23.
Variant type: single nucleotide variant.
Coding change: c.446G>A on transcript NM_002049.4 (MANE Select); coding-DNA position 446, G replaced by A.
Protein change: p.Gly149Glu; replaces glycine 149 with glutamic acid.
Molecular consequence: missense variant.
Genome position (GRCh38, 1-based): chrX:48,792,069, G>A. VCF-style: chrX-48792069-G-A. GRCh37 (hg19) VCF-style: chrX-48650476-G-A.
Other names: short protein forms G149E.
Identifiers: ClinVar variation 2197092 (VCV002197092.4), dbSNP rs2147306547, ClinGen allele CA412869204.
Genomic context (GRCh38, chrX:48,792,069, plus strand): 5'-GCACCAGCTTCCTGGAGACTTTGAAGACAGAGCGGCTGAGCCCAGACCTCCTGACCCTGG[G>A]ACCTGCACTGCCTTCATCACTCCCTGTCCCCAATAGTGCTTATGGGGGCCCTGACTTTTC-3'
Protein context (NP_002040.1, residues 139-159): ERLSPDLLTL[Gly149Glu]PALPSSLPVP